The following is an entry in ClinVar:

ClinVar aggregate classification (germline): Pathogenic/Likely pathogenic. Review status: criteria provided, multiple submitters, no conflicts (2 of 4 stars). 5 submissions from 5 submitters: Pathogenic (2); Likely pathogenic (2). 1 of the submissions does not count toward it. Last evaluated 2025-11-01.

Conditions:
Amyotrophic lateral sclerosis type 4 (ALS4). Also called: NEURONOPATHY, DISTAL HEREDITARY MOTOR, WITH PYRAMIDAL FEATURES; AMYOTROPHIC LATERAL SCLEROSIS 4, JUVENILE. Identifiers: Orphanet 357043, MedGen C1865409, MONDO:0011223, OMIM 602433.
Spinocerebellar ataxia, autosomal recessive, with axonal neuropathy 2 (SCAN2). Also called: Ataxia-ocular apraxia-2; Ataxia with Oculomotor Apraxia; ATAXIA-OCULOMOTOR APRAXIA 2; Ataxia with Oculomotor Apraxia Type 2. Identifiers: Orphanet 64753, MedGen C1853761, MONDO:0018996, OMIM 606002.

Allele frequency attached by ClinVar (database versions not stated): TOPMed below 0.00001; gnomAD 0.00001; gnomAD exomes 0.00001.
gnomAD v4.1: 13 of 1,613,604 alleles (0.00081%); highest among the groups gnomAD compares: Non-Finnish European, 0.001%; no homozygotes.

Submissions (5):

Mayo Clinic Laboratories, Mayo Clinic
Classification: Likely pathogenic. Last evaluated: 2025-11-01. Review status: criteria provided, single submitter. Criteria: ACMG Guidelines, 2015. Collection method: clinical testing. Allele origin: germline. Observed: 1 variant allele.
Comment: PM2_supporting, PVS1

Labcorp Genetics (formerly Invitae), Labcorp
Classification: Pathogenic for Amyotrophic lateral sclerosis type 4; Spinocerebellar ataxia, autosomal recessive, with axonal neuropathy 2. Last evaluated: 2024-10-22. Review status: criteria provided, single submitter. Criteria: Invitae Variant Classification Sherloc (09022015). Collection method: clinical testing. Allele origin: germline.
Comment: This sequence change creates a premature translational stop signal (p.Gln1774*) in the SETX gene. It is expected to result in an absent or disrupted protein product. Loss-of-function variants in SETX are known to be pathogenic (PMID: 14770181). This variant is not present in population databases (gnomAD no frequency). This variant has not been reported in the literature in individuals affected with SETX-related conditions. ClinVar contains an entry for this variant (Variation ID: 1693382). For these reasons, this variant has been classified as Pathogenic.

Athena Diagnostics
Classification: Pathogenic. Last evaluated: 2024-01-08. Review status: criteria provided, single submitter. Criteria: Athena Diagnostics Criteria. Collection method: clinical testing. Allele origin: unknown.
Comment: This variant is expected to result in the loss of a functional protein. The frequency of this variant in the general population is consistent with pathogenicity. This variant has been identified in at least one individual tested at Athena Diagnostics with clinical features associated with this gene.

GeneDx
Classification: Likely pathogenic. Last evaluated: 2022-06-24. Review status: criteria provided, single submitter. Criteria: GeneDx Variant Classification Process June 2021. Collection method: clinical testing. Allele origin: germline. Affected: yes.
Comment: Nonsense variant predicted to result in protein truncation or nonsense mediated decay in a gene for which loss-of-function is a known mechanism of disease; Not observed in large population cohorts (gnomAD); Has not been previously published as pathogenic or benign to our knowledge

Next Generation Genetic Polyclinic
Classification: Pathogenic for Amyotrophic lateral sclerosis type 4. Review status: no assertion criteria provided. Collection method: clinical testing. Allele origin: de novo. Affected: yes. Not counted in ClinVar's aggregate classification.

Literature cited by the submitters: PubMed 14770181 (cited by Labcorp Genetics (formerly Invitae), Labcorp).

NM_015046.7(SETX):c.5320C>T (p.Gln1774Ter)

Gene: SETX (senataxin; minus strand). Cytogenetic location: 9q34.13.
Variant type: single nucleotide variant.
Coding change: c.5320C>T on transcript NM_015046.7 (MANE Select); coding-DNA position 5320, C replaced by T.
Protein change: p.Gln1774Ter; replaces glutamine 1774 with a stop codon.
Molecular consequence: nonsense.
Genome position (GRCh38, 1-based): chr9:132,311,811, G>A on the plus strand (C>T on the coding strand, the complement: SETX is on the minus strand). VCF-style: chr9-132311811-G-A. GRCh37 (hg19) VCF-style: chr9-135187198-G-A.
Other names: p.Gln1774*; c.5320C>T, p.Gln1774Ter (NM_001351527.2, NM_001351528.2); short protein forms Q1774*.
Identifiers: ClinVar variation 1693382 (VCV001693382.8), dbSNP rs1391764195, ClinGen allele CA375320151.